The following is an entry in ClinVar:

ClinVar aggregate classification (germline): Uncertain significance (0 of 4 stars; one submission).

Conditions:
UPF3B-related disorder. Also called: UPF3B-related condition.

Submission:

PreventionGenetics, part of Exact Sciences
Classification: Uncertain significance for UPF3B-related condition. Last evaluated: 2024-03-22. Review status: no assertion criteria provided. Collection method: clinical testing. Allele origin: germline.
Comment: The UPF3B c.956G>T variant is predicted to result in the amino acid substitution p.Cys319Phe. To our knowledge, this variant has not been reported in the literature or in a large population database, indicating this variant is rare. At this time, the clinical significance of this variant is uncertain due to the absence of conclusive functional and genetic evidence.

NM_080632.3(UPF3B):c.956G>T (p.Cys319Phe)

Gene: UPF3B (UPF3B regulator of nonsense mediated mRNA decay; minus strand). Cytogenetic location: Xq24.
Variant type: single nucleotide variant.
Coding change: c.956G>T on transcript NM_080632.3 (MANE Select); coding-DNA position 956, G replaced by T.
Protein change: p.Cys319Phe; replaces cysteine 319 with phenylalanine.
Molecular consequence: missense variant.
Genome position (GRCh38, 1-based): chrX:119,838,418, C>A on the plus strand (G>T on the coding strand, the complement: UPF3B is on the minus strand). VCF-style: chrX-119838418-C-A. GRCh37 (hg19) VCF-style: chrX-118972381-C-A.
Other names: c.917G>T, p.Cys306Phe (NM_023010.4); short protein forms C306F, C319F.
Identifiers: ClinVar variation 3349207 (VCV003349207.1).